The following is an entry in ClinVar:

NM_001370595.2(COA8):c.419C>T (p.Ala140Val)

Gene: COA8 (cytochrome c oxidase assembly factor 8; plus strand). Cytogenetic location: 14q32.33.
Variant type: single nucleotide variant.
Coding change: c.419C>T on transcript NM_001370595.2 (MANE Select); coding-DNA position 419, C replaced by T.
Protein change: p.Ala140Val; replaces alanine 140 with valine.
Molecular consequence: missense variant. On other transcripts: synonymous variant (1), non-coding transcript variant (2).
Genome position (GRCh38, 1-based): chr14:103,587,307, C>T. VCF-style: chr14-103587307-C-T. GRCh37 (hg19) VCF-style: chr14-104053644-C-T.
Other names: c.458C>T (NM_032374.3); c.507C>T, p.Gly169= (NM_001302653.2); short protein forms A140V.
Identifiers: ClinVar variation 1913319 (VCV001913319.8), dbSNP rs747556529, ClinGen allele CA7365604.

ClinVar aggregate classification (germline): Uncertain significance. Review status: criteria provided, multiple submitters, no conflicts (2 of 4 stars). 3 submissions from 3 submitters: Uncertain significance (3). Last evaluated 2024-12-11.

Conditions:
Inborn genetic diseases. Identifiers: MedGen C0950123, MeSH D030342.

Allele frequency attached by ClinVar (database versions not stated): ExAC 0.00001; TOPMed 0.00001; gnomAD 0.00002; gnomAD exomes 0.00005.
gnomAD v4.1: 80 of 1,613,042 alleles (0.005%); highest among the groups gnomAD compares: Non-Finnish European, 0.0065%; no homozygotes.

Submissions (3):

GeneDx
Classification: Uncertain significance. Last evaluated: 2024-12-11. Review status: criteria provided, single submitter. Criteria: GeneDx Variant Classification Process June 2021. Collection method: clinical testing. Allele origin: germline. Affected: yes.
Comment: Not observed at significant frequency in large population cohorts (gnomAD); In silico analysis supports that this missense variant has a deleterious effect on protein structure/function; Has not been previously published as pathogenic or benign to our knowledge

Ambry Genetics
Classification: Uncertain significance for Inborn genetic diseases. Last evaluated: 2024-11-09. Review status: criteria provided, single submitter. Criteria: Ambry Variant Classification Scheme 2023. Collection method: clinical testing. Allele origin: germline.

Labcorp Genetics (formerly Invitae), Labcorp
Classification: Uncertain significance. Last evaluated: 2022-05-12. Review status: criteria provided, single submitter. Criteria: Invitae Variant Classification Sherloc (09022015). Collection method: clinical testing. Allele origin: germline.
Comment: This sequence change replaces alanine, which is neutral and non-polar, with valine, which is neutral and non-polar, at codon 153 of the APOPT1 protein (p.Ala153Val). The frequency data for this variant in the population databases is considered unreliable, as metrics indicate poor data quality at this position in the gnomAD database. In summary, the available evidence is currently insufficient to determine the role of this variant in disease. Therefore, it has been classified as a Variant of Uncertain Significance. Algorithms developed to predict the effect of missense changes on protein structure and function are either unavailable or do not agree on the potential impact of this missense change (SIFT: "Deleterious"; PolyPhen-2: "Probably Damaging"; Align-GVGD: "Class C0"). This variant has not been reported in the literature in individuals affected with APOPT1-related conditions.